The following is an entry in ClinVar:

NM_001363118.2(SLC52A2):c.775G>A (p.Gly259Ser)

Gene: SLC52A2 (solute carrier family 52 member 2; plus strand). Cytogenetic location: 8q24.3.
Variant type: single nucleotide variant.
Coding change: c.775G>A on transcript NM_001363118.2 (MANE Select); coding-DNA position 775, G replaced by A.
Protein change: p.Gly259Ser; replaces glycine 259 with serine.
Molecular consequence: missense variant. On other transcripts: non-coding transcript variant (1).
Genome position (GRCh38, 1-based): chr8:144,360,267, G>A. VCF-style: chr8-144360267-G-A. GRCh37 (hg19) VCF-style: chr8-145583927-G-A.
Other names: c.775G>A, p.Gly259Ser (NM_001253815.2, NM_001253816.2, NM_001363120.2 and 2 more transcripts); c.283G>A, p.Gly95Ser (NM_001363122.2); short protein forms G95S, G259S.
Identifiers: ClinVar variation 1418279 (VCV001418279.6), dbSNP rs2130645113, ClinGen allele CA372627879.

ClinVar aggregate classification (germline): Uncertain significance (1 of 4 stars; one submission).

Conditions:
Brown-Vialetto-van Laere syndrome 2. Also called: SPINOCEREBELLAR ATAXIA WITH BLINDNESS AND DEAFNESS 2; Riboflavin transporter deficiency type 2. Identifiers: Orphanet 572543, Orphanet 97229, MedGen C3553538, MONDO:0013867, OMIM 614707.

Submission:

Labcorp Genetics (formerly Invitae), Labcorp
Classification: Uncertain significance for Brown-Vialetto-van Laere syndrome 2. Last evaluated: 2021-09-27. Review status: criteria provided, single submitter. Criteria: Invitae Variant Classification Sherloc (09022015). Collection method: clinical testing. Allele origin: germline.
Comment: In summary, the available evidence is currently insufficient to determine the role of this variant in disease. Therefore, it has been classified as a Variant of Uncertain Significance. Advanced modeling of protein sequence and biophysical properties (such as structural, functional, and spatial information, amino acid conservation, physicochemical variation, residue mobility, and thermodynamic stability) performed at Invitae indicates that this missense variant is not expected to disrupt SLC52A2 protein function. This variant has not been reported in the literature in individuals affected with SLC52A2-related conditions. This variant is not present in population databases (ExAC no frequency). This sequence change replaces glycine with serine at codon 259 of the SLC52A2 protein (p.Gly259Ser). The glycine residue is moderately conserved and there is a small physicochemical difference between glycine and serine.